The following is an entry in ClinVar:

NM_001375654.1(RP1):c.940G>T (p.Asp314Tyr)

Gene: RP1 (RP1 axonemal microtubule associated; plus strand). Cytogenetic location: 8q12.1.
Variant type: single nucleotide variant.
Coding change: c.940G>T on transcript NM_001375654.1; coding-DNA position 940, G replaced by T.
Protein change: p.Asp314Tyr; replaces aspartic acid 314 with tyrosine.
Molecular consequence: missense variant.
Genome position (GRCh38, 1-based): chr8:54,649,137, G>T. VCF-style: chr8-54649137-G-T. GRCh37 (hg19) VCF-style: chr8-55561697-G-T.
Other names: short protein forms D314Y.
Identifiers: ClinVar variation 3250520 (VCV003250520.19), dbSNP rs528158701.
Genomic context (GRCh38, chr8:54,649,137, plus strand): 5'-AGTTCAGCCCCCATATATCTTTATGGAACAGATGGGGCTCGATTTCAGGTTGGCCATGAA[G>T]ACATATTTACTGTAAGTAATAAAACTGAGTATAAACTGTTAATATAAGTGATACACCTAG-3'

ClinVar aggregate classification (germline): Conflicting classifications of pathogenicity. Review status: criteria provided, conflicting classifications (1 of 4 stars). 3 submissions from 3 submitters: Uncertain significance (1); Likely benign (2). Last evaluated 2025-11-01.

Conditions:
Retinitis pigmentosa 1 (RP1). Identifiers: Orphanet 791, MedGen C0220701, MONDO:0008377, OMIM 180100.

Allele frequency attached by ClinVar (database versions not stated): 1000 Genomes Project 0.00140; ExAC 0.00331; gnomAD 0.00141; TOPMed 0.00144; 1000 Genomes Project 30x 0.00141.
gnomAD v4.1: 3,621 of 1,495,838 alleles (0.24%); highest among the groups gnomAD compares: South Asian, 0.37%; 6 homozygotes.

Submissions (3):

CeGaT Center for Human Genetics Tuebingen
Classification: Likely benign. Last evaluated: 2025-11-01. Review status: criteria provided, single submitter. Criteria: CeGaT Center For Human Genetics Tuebingen Variant Classification Criteria Version 2. Collection method: clinical testing. Allele origin: germline. Affected: yes. Observed: 5 variant alleles.
Comment: RP1: BP1, BP4

Blueprint Genetics
Classification: Likely benign. Last evaluated: 2022-12-16. Review status: criteria provided, single submitter. Criteria: ACMG Guidelines, 2015. Collection method: clinical testing. Allele origin: germline.

Department of Pathology and Laboratory Medicine, Sinai Health System
Classification: Uncertain significance for Retinitis pigmentosa 1. Last evaluated: 2022-01-25. Review status: criteria provided, single submitter. Criteria: ACMG Guidelines, 2015. Collection method: research. Allele origin: germline.